The following is an entry in ClinVar:

NM_002941.4(ROBO1):c.2442+7G>A

Gene: ROBO1 (roundabout guidance receptor 1; minus strand). Cytogenetic location: 3p12.3.
Variant type: single nucleotide variant.
Coding change: c.2442+7G>A on transcript NM_002941.4 (MANE Select); 7 bases into the intron after coding-DNA position 2442, G replaced by A.
Molecular consequence: intron variant.
Genome position (GRCh38, 1-based): chr3:78,659,679, C>T on the plus strand (G>A on the coding strand, the complement: ROBO1 is on the minus strand). VCF-style: chr3-78659679-C-T. GRCh37 (hg19) VCF-style: chr3-78708829-C-T.
Other names: c.2334+7G>A (NM_001145845.2, NM_133631.4).
Identifiers: ClinVar variation 728000 (VCV000728000.12), dbSNP rs146871662, ClinGen allele CA2498677.

ClinVar aggregate classification (germline): Likely benign. Review status: criteria provided, multiple submitters, no conflicts (2 of 4 stars). 3 submissions from 3 submitters: Likely benign (2). 1 of the submissions does not count toward it. Last evaluated 2025-11-19.

Conditions:
ROBO1-related disorder. Also called: ROBO1-related condition.

Allele frequency attached by ClinVar (database versions not stated): gnomAD 0.00027 and 0.00049; ExAC 0.00031; gnomAD exomes 0.00046 and 0.00069; TOPMed 0.00065; 1000 Genomes Project 30x 0.00172; 1000 Genomes Project 0.00180.
gnomAD v4.1: 691 of 1,508,684 alleles (0.046%); highest among the groups gnomAD compares: East Asian, 1.6%; 5 homozygotes.

Submissions (3):

Labcorp Genetics (formerly Invitae), Labcorp
Classification: Likely benign. Last evaluated: 2025-11-19. Review status: criteria provided, single submitter. Criteria: Invitae Variant Classification Sherloc (09022015). Collection method: clinical testing. Allele origin: germline.

Blueprint Genetics
Classification: Likely benign. Last evaluated: 2024-10-23. Review status: criteria provided, single submitter. Criteria: ACMG Guidelines, 2015. Collection method: clinical testing. Allele origin: germline.

PreventionGenetics, part of Exact Sciences
Classification: Benign for ROBO1-related condition. Last evaluated: 2019-04-09. Review status: no assertion criteria provided. Collection method: clinical testing. Allele origin: germline. Not counted in ClinVar's aggregate classification.
Comment: This variant is classified as benign based on ACMG/AMP sequence variant interpretation guidelines (Richards et al. 2015 PMID: 25741868, with internal and published modifications).